The following is an entry in ClinVar:

NM_001365951.3(KIF1B):c.1688C>T (p.Ala563Val)

Gene: KIF1B (kinesin family member 1B; plus strand). Cytogenetic location: 1p36.22.
Variant type: single nucleotide variant.
Coding change: c.1688C>T on transcript NM_001365951.3 (MANE Select); coding-DNA position 1688, C replaced by T.
Protein change: p.Ala563Val; replaces alanine 563 with valine.
Molecular consequence: missense variant.
Genome position (GRCh38, 1-based): chr1:10,295,677, C>T. VCF-style: chr1-10295677-C-T. GRCh37 (hg19) VCF-style: chr1-10355735-C-T.
Other names: c.1688C>T, p.Ala563Val (NM_001365952.1); c.1550C>T, p.Ala517Val (NM_001365953.1, NM_015074.3, NM_183416.4); short protein forms A517V, A563V.
Identifiers: ClinVar variation 2563611 (VCV002563611.2), dbSNP rs1380115558, ClinGen allele CA338314787.

ClinVar aggregate classification (germline): Uncertain significance (1 of 4 stars; one submission).

Allele frequency attached by ClinVar (database versions not stated): gnomAD 0.00001; TOPMed 0.00001.
gnomAD v4.1: 1 of 1,613,608 alleles (0.000062%); highest among the groups gnomAD compares: Non-Finnish European, 0.000085%; no homozygotes.

Submission:

Ambry Genetics
Classification: Uncertain significance. Last evaluated: 2023-04-16. Review status: criteria provided, single submitter. Criteria: Ambry Variant Classification Scheme 2023. Collection method: clinical testing. Allele origin: germline.
Comment: The p.A517V variant (also known as c.1550C>T), located in coding exon 16 of the KIF1B gene, results from a C to T substitution at nucleotide position 1550. The alanine at codon 517 is replaced by valine, an amino acid with similar properties. This amino acid position is conserved. In addition, the in silico prediction for this alteration is inconclusive. Since supporting evidence is limited at this time, the clinical significance of this alteration remains unclear.